The following is an entry in ClinVar:

NM_001003841.3(SLC6A19):c.202G>A (p.Gly68Arg)

Gene: SLC6A19 (solute carrier family 6 member 19; plus strand). Cytogenetic location: 5p15.33.
Variant type: single nucleotide variant.
Coding change: c.202G>A on transcript NM_001003841.3 (MANE Select); coding-DNA position 202, G replaced by A.
Protein change: p.Gly68Arg; replaces glycine 68 with arginine.
Molecular consequence: missense variant.
Genome position (GRCh38, 1-based): chr5:1,201,852, G>A. VCF-style: chr5-1201852-G-A. GRCh37 (hg19) VCF-style: chr5-1201967-G-A.
Other names: short protein forms G68R.
Identifiers: ClinVar variation 4536859 (VCV004536859.1).

ClinVar aggregate classification (germline): Uncertain significance (1 of 4 stars; one submission).

Submission:

Women's Health and Genetics/Laboratory Corporation of America, LabCorp
Classification: Uncertain significance. Last evaluated: 2025-11-11. Review status: criteria provided, single submitter. Criteria: LabCorp Variant Classification Summary - May 2015. Collection method: clinical testing. Allele origin: germline.
Comment: Variant summary: SLC6A19 c.202G>A (p.Gly68Arg) results in a non-conservative amino acid change in the encoded protein sequence. Algorithms developed to predict the effect of missense changes on protein structure and function all suggest that this variant is likely to be disruptive. Several computational tools predict a significant impact on normal splicing: Two predict the variant abolishes a 5' splicing donor site. Two predict the variant weakens a 5' donor site. However, these predictions have yet to be confirmed by functional studies. The variant was absent in 245132 control chromosomes. The available data on variant occurrences in the general population are insufficient to allow any conclusion about variant significance. To our knowledge, no occurrence of c.202G>A in individuals affected with SLC6A19-related conditions and no experimental evidence demonstrating its impact on protein function have been reported. No submitters have cited clinical-significance assessments for this variant to ClinVar. Based on the evidence outlined above, the variant was classified as uncertain significance.